The following is an entry in ClinVar:

ClinVar aggregate classification (germline): Conflicting classifications of pathogenicity. Review status: criteria provided, conflicting classifications (1 of 4 stars). 2 submissions from 2 submitters: Uncertain significance (1); Likely benign (1). Last evaluated 2025-08-26.

gnomAD v4.1: 1 of 1,605,350 alleles (0.000062%); highest among the groups gnomAD compares: Non-Finnish European, 0.000085%; no homozygotes.

Submissions (2):

Labcorp Genetics (formerly Invitae), Labcorp
Classification: Likely benign. Last evaluated: 2025-08-26. Review status: criteria provided, single submitter. Criteria: Invitae Variant Classification Sherloc (09022015). Collection method: clinical testing. Allele origin: germline.

Women's Health and Genetics/Laboratory Corporation of America, LabCorp
Classification: Uncertain significance. Last evaluated: 2025-03-12. Review status: criteria provided, single submitter. Criteria: LabCorp Variant Classification Summary - May 2015. Collection method: clinical testing. Allele origin: germline.
Comment: Variant summary: NDUFAF6 c.715-6A>C alters a non-conserved nucleotide located close to a canonical splice site and therefore could affect mRNA splicing, leading to a significantly altered protein sequence. Consensus agreement among computation tools predict no significant impact on normal splicing. However, these predictions have yet to be confirmed by functional studies. The variant allele was found at a frequency of 4e-06 in 249454 control chromosomes. The available data on variant occurrences in the general population are insufficient to allow any conclusion about variant significance. To our knowledge, no occurrence of c.715-6A>C in individuals affected with Mitochondrial Complex 1 Deficiency, Nuclear Type 17 and no experimental evidence demonstrating its impact on protein function have been reported. No submitters have cited clinical-significance assessments for this variant to ClinVar. Based on the evidence outlined above, the variant was classified as uncertain significance.

NM_152416.4(NDUFAF6):c.715-6A>C

Gene: NDUFAF6 (NADH:ubiquinone oxidoreductase complex assembly factor 6; plus strand). Cytogenetic location: 8q22.1.
Variant type: single nucleotide variant.
Coding change: c.715-6A>C on transcript NM_152416.4 (MANE Select); 6 bases into the intron before coding-DNA position 715, A replaced by C.
Molecular consequence: intron variant.
Genome position (GRCh38, 1-based): chr8:95,048,451, A>C. VCF-style: chr8-95048451-A-C. GRCh37 (hg19) VCF-style: chr8-96060679-A-C.
Other names: c.382-6A>C (NM_001354534.2, NM_001354518.2, NM_001354519.2 and 1 more transcripts); c.439-6A>C (NM_001354514.2, NM_001354515.2, NM_001330582.2 and 1 more transcripts); c.259-6A>C (NM_001354525.2, NM_001354524.2, NM_001354522.2 and 7 more transcripts); c.559-6A>C (NM_001354516.2).
Identifiers: ClinVar variation 3895685 (VCV003895685.2).
Genomic context (GRCh38, chr8:95,048,451, plus strand): 5'-TCCTAGGTGAACTGTTGGAAGGAAGTGCTTTTAGGTTCCTAATATAATGTATATTTCCCC[A>C]CACAGCATGGTGTTTCACAAGAGGACTTTCTACGGAGGAACCAAGATAAAAATGTGAGAG-3'